The following is an entry in ClinVar:

NM_000329.3(RPE65):c.902A>G (p.Asn301Ser)

Gene: RPE65 (retinoid isomerohydrolase RPE65; minus strand). Cytogenetic location: 1p31.3.
Variant type: single nucleotide variant.
Coding change: c.902A>G on transcript NM_000329.3 (MANE Select); coding-DNA position 902, A replaced by G.
Protein change: p.Asn301Ser; replaces asparagine 301 with serine.
Molecular consequence: missense variant.
Genome position (GRCh38, 1-based): chr1:68,439,038, T>C on the plus strand (A>G on the coding strand, the complement: RPE65 is on the minus strand). VCF-style: chr1-68439038-T-C. GRCh37 (hg19) VCF-style: chr1-68904721-T-C.
Other names: NM_000329.3(RPE65):c.902A>G; p.Asn301Ser; short protein forms N301S.
Identifiers: ClinVar variation 874234 (VCV000874234.15), dbSNP rs201075875, ClinGen allele CA902346.

ClinVar aggregate classification (germline): Uncertain significance. Review status: reviewed by expert panel (3 of 4 stars). 8 submissions from 7 submitters: Uncertain significance (1). 7 of the submissions do not count toward it. Last evaluated 2026-08-20.

Conditions:
Leber congenital amaurosis 2 (LCA2). Also called: AMAUROSIS CONGENITA OF LEBER II; Autosomal Recessive RPE65-Related Retinal Degeneration. Identifiers: Orphanet 65, MedGen C1859844, MONDO:0008765, OMIM 204100. Disease mechanism: loss of function.
Leber congenital amaurosis (LCA). Also called: Leber's amaurosis. Identifiers: Orphanet 65, MedGen C0339527, MeSH D057130, MONDO:0018998.
Retinitis pigmentosa 87 with choroidal involvement. Identifiers: MedGen C5231465, MONDO:0032873, OMIM 618697.
Retinitis pigmentosa 20 (RP20). Identifiers: Orphanet 791, MedGen C3151086, MONDO:0013425, OMIM 613794.
RPE65-related recessive retinopathy. Also called: Recessive RPE65 retinopathy. Identifiers: MedGen CN305526, MONDO:0100368.
RPE65-related disorder. Also called: RPE65-related condition; RPE65-related disorders. Identifiers: MedGen CN239301.
Retinitis pigmentosa (RP). Identifiers: Orphanet 791, MedGen C0035334, MeSH D012174, MONDO:0019200, OMIM 268000. Inheritance: Autosomal dominant, autosomal recessive and X linked inheritance.

Allele frequency attached by ClinVar (database versions not stated): TOPMed 0.00005; ESP Exome Variant Server 0.00008; gnomAD 0.00009.
gnomAD v4.1: 144 of 1,614,030 alleles (0.0089%); highest among the groups gnomAD compares: Non-Finnish European, 0.012%; no homozygotes.

Submissions (8):

ClinGen Leber Congenital Amaurosis/early Onset Retinal Dystrophy Variant Curation Expert Panel, ClinGen
Classification: Uncertain significance for RPE65-related recessive retinopathy. Last evaluated: 2026-08-20. Review status: reviewed by expert panel. Criteria: ClinGen LCAeoRD ACMG Specifications RPE65 V1.0.0. Collection method: curation. Allele origin: germline. Inheritance: Autosomal recessive inheritance.
Comment: NM_000329.3(RPE65):c.902A>G is a missense variant causing substitution of asparagine with serine at position 301. This variant is present in gnomAD v.4.1.1 at a GrpMax allele frequency of 0.00010, with 137/1180006 in the European (Non-Finnish) population, which is lower than the ClinGen LCA / eoRD VCEP PM2_Supporting threshold of <0.0002 (PM2_Supporting). This variant has been reported in at least 1 proband with a diagnosis of retinitis pigmentosa 87 with choroidal involvement, which is a dominant condition and implies harboring the variant in the heterozygous state (SCV002580301.1). However, the proband was not counted for PM3 because a second variant was not reported in trans. The computational predictor REVEL gives a score of 0.304, which is below the ClinGen LCA / eoRD VCEP threshold of ≥0.644 and does not predict a damaging effect on RPE65 function. Additionally, the splicing impact predictor SpliceAI gives a score of 0.00, which is below the ClinGen LCA / eoRD VCEP recommended threshold of ≥0.2 and does not strongly predict an impact on splicing. In summary, this variant meets the criteria to be classified as a variant of uncertain significance for RPE65-related recessive retinopathy based on the ACMG/AMP criteria applied, as specified by the ClinGen LCA / eoRD VCEP: PM2_supporting. (VCEP specifications version 1.0.0).

PreventionGenetics, part of Exact Sciences
Classification: Uncertain significance for RPE65-related condition. Last evaluated: 2026-04-27. Review status: criteria provided, single submitter. Criteria: ACMG Guidelines, 2015. Collection method: clinical testing. Allele origin: germline. Not counted in ClinVar's aggregate classification.
Comment: The RPE65 c.902A>G variant is predicted to result in the amino acid substitution p.Asn301Ser. To our knowledge, this variant has not been reported in the literature. This variant is present in 0.013% of alleles in individuals of European (Non-Finnish) descent in gnomAD. At this time, the clinical significance of this variant is uncertain due to the absence of conclusive functional and genetic evidence.

Blueprint Genetics
Classification: Uncertain significance. Last evaluated: 2024-10-16. Review status: criteria provided, single submitter. Criteria: ACMG Guidelines, 2015. Collection method: clinical testing. Allele origin: germline. Not counted in ClinVar's aggregate classification.

Labcorp Genetics (formerly Invitae), Labcorp
Classification: Uncertain significance for Leber congenital amaurosis 2; Retinitis pigmentosa 20. Last evaluated: 2024-04-25. Review status: criteria provided, single submitter. Criteria: Invitae Variant Classification Sherloc (09022015). Collection method: clinical testing. Allele origin: germline. Not counted in ClinVar's aggregate classification.
Comment: This sequence change replaces asparagine, which is neutral and polar, with serine, which is neutral and polar, at codon 301 of the RPE65 protein (p.Asn301Ser). This variant is present in population databases (rs201075875, gnomAD 0.01%). This variant has not been reported in the literature in individuals affected with RPE65-related conditions. ClinVar contains an entry for this variant (Variation ID: 874234). Advanced modeling of protein sequence and biophysical properties (such as structural, functional, and spatial information, amino acid conservation, physicochemical variation, residue mobility, and thermodynamic stability) has been performed at Invitae for this missense variant, however the output from this modeling did not meet the statistical confidence thresholds required to predict the impact of this variant on RPE65 protein function. In summary, the available evidence is currently insufficient to determine the role of this variant in disease. Therefore, it has been classified as a Variant of Uncertain Significance.

MGZ Medical Genetics Center
Classification: Uncertain significance for Retinitis pigmentosa 87 with choroidal involvement. Last evaluated: 2021-11-24. Review status: criteria provided, single submitter. Criteria: ACMG Guidelines, 2015. Collection method: clinical testing. Allele origin: germline. Affected: yes. Observed: 1 variant allele. Not counted in ClinVar's aggregate classification.
Comment: ACMG criteria applied: BS1

Illumina Laboratory Services, Illumina
Classification: Uncertain significance for Retinitis pigmentosa. Last evaluated: 2017-04-27. Review status: criteria provided, single submitter. Criteria: ICSL Variant Classification Criteria 13 December 2019. Collection method: clinical testing. Allele origin: germline. Not counted in ClinVar's aggregate classification.

Illumina Laboratory Services, Illumina
Classification: Uncertain significance for Leber congenital amaurosis 2. Last evaluated: 2017-04-27. Review status: criteria provided, single submitter. Criteria: ICSL Variant Classification Criteria 13 December 2019. Collection method: clinical testing. Allele origin: germline. Not counted in ClinVar's aggregate classification.

Natera, Inc.
Classification: Uncertain significance for Leber congenital amaurosis. Last evaluated: 2020-02-13. Review status: no assertion criteria provided. Collection method: clinical testing. Allele origin: germline. Not counted in ClinVar's aggregate classification.